The following is an entry in ClinVar:

NM_001927.4(DES):c.1248C>G (p.Ile416Met)

Gene: DES (desmin; plus strand). Cytogenetic location: 2q35.
Variant type: single nucleotide variant.
Coding change: c.1248C>G on transcript NM_001927.4 (MANE Select); coding-DNA position 1248, C replaced by G.
Protein change: p.Ile416Met; replaces isoleucine 416 with methionine.
Molecular consequence: missense variant.
Genome position (GRCh38, 1-based): chr2:219,423,780, C>G. VCF-style: chr2-219423780-C-G. GRCh37 (hg19) VCF-style: chr2-220288502-C-G.
Other names: c.1245C>G, p.Ile415Met (NM_001382708.1); c.816C>G, p.Ile272Met (NM_001382709.1); c.1179C>G, p.Ile393Met (NM_001382710.1); c.1227C>G, p.Ile409Met (NM_001382711.1); c.1248C>G, p.Ile416Met (NM_001382712.1); c.978C>G, p.Ile326Met (NM_001382713.1); short protein forms I416M, I272M, I393M, I415M, I326M, I409M.
Identifiers: ClinVar variation 2079398 (VCV002079398.4), dbSNP rs2545259579, ClinGen allele CA350696454.

ClinVar aggregate classification (germline): Uncertain significance (1 of 4 stars; one submission).

Conditions:
Desmin-related myofibrillar myopathy (MFM1). Also called: MYOFIBRILLAR MYOPATHY WITH ARRHYTHMOGENIC RIGHT VENTRICULAR CARDIOMYOPATHY; DESMIN-RELATED MYOPATHY WITH ARRHYTHMOGENIC RIGHT VENTRICULAR CARDIOMYOPATHY; Myofibrillar myopathy 1; Desminopathy; Desmin related myopathy (former name); Desmin storage myopathy (former name). Identifiers: Orphanet 363543, Orphanet 98909, MedGen C1832370, MONDO:0011076, OMIM 601419.

gnomAD v4.1: 2 of 1,613,850 alleles (0.00012%); highest among the groups gnomAD compares: Non-Finnish European, 0.00017%; no homozygotes.

Submission:

Labcorp Genetics (formerly Invitae), Labcorp
Classification: Uncertain significance for Desmin-related myofibrillar myopathy. Last evaluated: 2022-09-17. Review status: criteria provided, single submitter. Criteria: Invitae Variant Classification Sherloc (09022015). Collection method: clinical testing. Allele origin: germline.
Comment: This sequence change replaces isoleucine, which is neutral and non-polar, with methionine, which is neutral and non-polar, at codon 416 of the DES protein (p.Ile416Met). This variant is not present in population databases (gnomAD no frequency). This variant has not been reported in the literature in individuals affected with DES-related conditions. Advanced modeling of protein sequence and biophysical properties (such as structural, functional, and spatial information, amino acid conservation, physicochemical variation, residue mobility, and thermodynamic stability) has been performed at Invitae for this missense variant, however the output from this modeling did not meet the statistical confidence thresholds required to predict the impact of this variant on DES protein function. In summary, the available evidence is currently insufficient to determine the role of this variant in disease. Therefore, it has been classified as a Variant of Uncertain Significance.